The following is an entry in ClinVar:

ClinVar aggregate classification (germline): Uncertain significance. Review status: criteria provided, multiple submitters, no conflicts (2 of 4 stars). 2 submissions from 2 submitters: Uncertain significance (2). Last evaluated 2024-12-08.

Conditions:
Hereditary cancer-predisposing syndrome. Also called: Hereditary neoplastic syndrome; Tumor predisposition; Hereditary Cancer Syndrome; Neoplastic Syndromes, Hereditary. Identifiers: Orphanet 140162, MedGen C0027672, MeSH D009386, MONDO:0015356.
Neuroblastoma, susceptibility to, 3. Also called: ALK-Related Neuroblastic Tumor Susceptibility. Identifiers: Orphanet 635, MedGen C2751681, MONDO:0013083, OMIM 613014.

Allele frequency attached by ClinVar (database versions not stated): 1000 Genomes Project 30x 0.00016; 1000 Genomes Project 0.00020.
gnomAD v4.1: 3 of 1,613,856 alleles (0.00019%); highest among the groups gnomAD compares: Admixed American, 0.0033%; no homozygotes.

Submissions (2):

Labcorp Genetics (formerly Invitae), Labcorp
Classification: Uncertain significance for Neuroblastoma, susceptibility to, 3. Last evaluated: 2024-12-08. Review status: criteria provided, single submitter. Criteria: Invitae Variant Classification Sherloc (09022015). Collection method: clinical testing. Allele origin: germline.
Comment: This sequence change replaces alanine, which is neutral and non-polar, with glycine, which is neutral and non-polar, at codon 1200 of the ALK protein (p.Ala1200Gly). This variant is present in population databases (rs200585833, gnomAD 0.003%). This variant has not been reported in the literature in individuals affected with ALK-related conditions. ClinVar contains an entry for this variant (Variation ID: 1423594). An algorithm developed to predict the effect of missense changes on protein structure and function (PolyPhen-2) suggests that this variant is likely to be tolerated. In summary, the available evidence is currently insufficient to determine the role of this variant in disease. Therefore, it has been classified as a Variant of Uncertain Significance.

Ambry Genetics
Classification: Uncertain significance for Hereditary cancer-predisposing syndrome. Last evaluated: 2024-10-05. Review status: criteria provided, single submitter. Criteria: Ambry Variant Classification Scheme 2023. Collection method: clinical testing. Allele origin: germline.
Comment: The p.A1200G variant (also known as c.3599C>G), located in coding exon 23 of the ALK gene, results from a C to G substitution at nucleotide position 3599. The alanine at codon 1200 is replaced by glycine, an amino acid with similar properties. This amino acid position is highly conserved in available vertebrate species. In addition, the in silico prediction for this alteration is inconclusive. Since supporting evidence is limited at this time, the clinical significance of this alteration remains unclear.

NM_004304.5(ALK):c.3599C>G (p.Ala1200Gly)

Gene: ALK (ALK receptor tyrosine kinase; minus strand). Cytogenetic location: 2p23.2.
Variant type: single nucleotide variant.
Coding change: c.3599C>G on transcript NM_004304.5 (MANE Select); coding-DNA position 3599, C replaced by G.
Protein change: p.Ala1200Gly; replaces alanine 1200 with glycine.
Molecular consequence: missense variant.
Genome position (GRCh38, 1-based): chr2:29,220,752, G>C on the plus strand (C>G on the coding strand, the complement: ALK is on the minus strand). VCF-style: chr2-29220752-G-C. GRCh37 (hg19) VCF-style: chr2-29443618-G-C.
Other names: c.395C>G, p.Ala132Gly (NM_001353765.2); short protein forms A1200G, A132G.
Identifiers: ClinVar variation 1423594 (VCV001423594.9), dbSNP rs200585833, ClinGen allele CA1593855.